The following is an entry in ClinVar:

NM_004304.5(ALK):c.3730C>T (p.His1244Tyr)

Gene: ALK (ALK receptor tyrosine kinase; minus strand). Cytogenetic location: 2p23.2.
Variant type: single nucleotide variant.
Coding change: c.3730C>T on transcript NM_004304.5 (MANE Select); coding-DNA position 3730, C replaced by T.
Protein change: p.His1244Tyr; replaces histidine 1244 with tyrosine.
Molecular consequence: missense variant.
Genome position (GRCh38, 1-based): chr2:29,213,997, G>A on the plus strand (C>T on the coding strand, the complement: ALK is on the minus strand). VCF-style: chr2-29213997-G-A. GRCh37 (hg19) VCF-style: chr2-29436863-G-A.
Other names: c.526C>T, p.His176Tyr (NM_001353765.2); short protein forms H1244Y, H176Y.
Identifiers: ClinVar variation 824138 (VCV000824138.5), dbSNP rs1573108857, ClinGen allele CA346471183.

ClinVar aggregate classification (germline): Uncertain significance (1 of 4 stars; one submission).

Conditions:
Hereditary cancer-predisposing syndrome. Also called: Neoplastic Syndromes, Hereditary; Tumor predisposition; Hereditary neoplastic syndrome; Hereditary Cancer Syndrome. Identifiers: Orphanet 140162, MedGen C0027672, MeSH D009386, MONDO:0015356.

Submission:

Ambry Genetics
Classification: Uncertain significance for Hereditary cancer-predisposing syndrome. Last evaluated: 2023-05-15. Review status: criteria provided, single submitter. Criteria: Ambry Variant Classification Scheme 2023. Collection method: clinical testing. Allele origin: germline.
Comment: The p.H1244Y variant (also known as c.3730C>T), located in coding exon 24 of the ALK gene, results from a C to T substitution at nucleotide position 3730. The histidine at codon 1244 is replaced by tyrosine, an amino acid with similar properties. This amino acid position is well conserved in available vertebrate species. In addition, this alteration is predicted to be deleterious by in silico analysis. Since supporting evidence is limited at this time, the clinical significance of this alteration remains unclear.